The following is an entry in ClinVar:

NM_001276345.2(TNNT2):c.777C>A (p.Asp259Glu)

Gene: TNNT2 (troponin T2, cardiac type; minus strand). Cytogenetic location: 1q32.1.
Variant type: single nucleotide variant.
Coding change: c.777C>A on transcript NM_001276345.2 (MANE Select); coding-DNA position 777, C replaced by A.
Protein change: p.Asp259Glu; replaces aspartic acid 259 with glutamic acid.
Molecular consequence: missense variant.
Genome position (GRCh38, 1-based): chr1:201,361,312, G>T on the plus strand (C>A on the coding strand, the complement: TNNT2 is on the minus strand). VCF-style: chr1-201361312-G-T. GRCh37 (hg19) VCF-style: chr1-201330440-G-T.
Other names: c.768C>A, p.Asp256Glu (NM_000364.4, NM_001406723.1); c.747C>A, p.Asp249Glu (NM_001001430.3, NM_001276347.2, NM_001406724.1); c.738C>A, p.Asp246Glu (NM_001001431.3, NM_001406726.1, NM_001406727.1); c.729C>A, p.Asp243Glu (NM_001001432.3); c.648C>A, p.Asp216Glu (NM_001276346.2); c.744C>A, p.Asp248Glu (NM_001406725.1); c.732C>A, p.Asp244Glu (NM_001406728.1); short protein forms D216E, D243E, D244E, D246E, D248E, D249E, D256E, D259E.
Identifiers: ClinVar variation 3753340 (VCV003753340.2).

ClinVar aggregate classification (germline): Uncertain significance (1 of 4 stars; one submission).

Conditions:
Dilated cardiomyopathy 1D. Identifiers: Orphanet 154, Orphanet 54260, MedGen C1832243, MONDO:0011095, OMIM 601494.
Hypertrophic cardiomyopathy 2. Also called: TNNT2-Related Familial Hypertrophic Cardiomyopathy. Identifiers: MedGen C1861864, MONDO:0007266, OMIM 115195.
Cardiomyopathy, familial restrictive, 3. Identifiers: Orphanet 75249, MedGen C2676271, MONDO:0012900, OMIM 612422.

gnomAD v4.1: 1 of 1,614,128 alleles (0.000062%); highest among the groups gnomAD compares: Non-Finnish European, 0.000085%; no homozygotes.

Submission:

Labcorp Genetics (formerly Invitae), Labcorp
Classification: Uncertain significance for Cardiomyopathy, familial restrictive, 3; Hypertrophic cardiomyopathy 2; Dilated cardiomyopathy 1D. Last evaluated: 2024-11-12. Review status: criteria provided, single submitter. Criteria: Invitae Variant Classification Sherloc (09022015). Collection method: clinical testing. Allele origin: germline.
Comment: This sequence change replaces aspartic acid, which is acidic and polar, with glutamic acid, which is acidic and polar, at codon 249 of the TNNT2 protein (p.Asp249Glu). This variant is not present in population databases (gnomAD no frequency). This variant has not been reported in the literature in individuals affected with TNNT2-related conditions. Invitae Evidence Modeling of protein sequence and biophysical properties (such as structural, functional, and spatial information, amino acid conservation, physicochemical variation, residue mobility, and thermodynamic stability) indicates that this missense variant is not expected to disrupt TNNT2 protein function with a negative predictive value of 80%. In summary, the available evidence is currently insufficient to determine the role of this variant in disease. Therefore, it has been classified as a Variant of Uncertain Significance.